The following is an entry in ClinVar:

GRCh38/hg38 Xp22.33(chrX:483809-884538)x3

Genes: CNE-2 (CNE-2 enhancer upstream of SHOX; plus strand), CNE-3 (CNE-3 enhancer upstream of SHOX; plus strand), CNE4 (CNE4 enhancer downstream of SHOX; plus strand), CNE5 (CNE5 enhancer downstream of SHOX; plus strand), CNE6 (CNE6 enhancer downstream of SHOX; plus strand) and 7 more. Cytogenetic location: Xp22.33.
Variant type: copy number gain.
Change: copy number 3 of chrX:483,809-884,538 (400.7 kb, GRCh38 coordinates, 1-based), cytogenetic band Xp22.33.
Identifiers: ClinVar variation 58503 (VCV000058503.2).

ClinVar aggregate classification (germline): Uncertain significance (1 of 4 stars; one submission).

Submission:

ISCA Site 6
Classification: Uncertain significance. Last evaluated: 2011-08-12. Review status: criteria provided, single submitter. Criteria: Kaminsky et al. (Genet Med. 2011). Collection method: clinical testing. Allele origin: unknown. Affected: yes. Observed: 1 variant allele.
Comment: Copy number variation identified through the course of routine clinical cytogenomic testing in postnatal populations. Clinical assertions have been curated as described in Kaminsky et al. 2011.